The following is an entry in ClinVar:

NM_001042492.3(NF1):c.1221C>T (p.His407=)

Gene: NF1 (neurofibromin 1; plus strand). Cytogenetic location: 17q11.2.
Variant type: single nucleotide variant.
Coding change: c.1221C>T on transcript NM_001042492.3 (MANE Select); coding-DNA position 1221, C replaced by T.
Protein change: p.His407=; no amino-acid change (histidine 407 retained).
Molecular consequence: synonymous variant.
Genome position (GRCh38, 1-based): chr17:31,201,446, C>T. VCF-style: chr17-31201446-C-T. GRCh37 (hg19) VCF-style: chr17-29528464-C-T.
Other names: c.1221C>T, p.His407= (NM_000267.4, NM_001128147.3).
Identifiers: ClinVar variation 1153012 (VCV001153012.8), dbSNP rs1439320467, ClinGen allele CA499220536.

ClinVar aggregate classification (germline): Benign/Likely benign. Review status: criteria provided, multiple submitters, no conflicts (2 of 4 stars). 2 submissions from 2 submitters: Benign (1); Likely benign (1). Last evaluated 2026-09-23.

Conditions:
Neurofibromatosis, type 1 (NF1). Also called: Neurofibromatosis, type I; VON RECKLINGHAUSEN DISEASE; Peripheral type neurofibromatosis; NEUROFIBROMATOSIS, TYPE I, SOMATIC. Identifiers: Orphanet 636, MedGen C0027831, MONDO:0018975, OMIM 162200. Disease mechanism: loss of function.

Allele frequency attached by ClinVar (database versions not stated): gnomAD exomes below 0.00001.
gnomAD v4.1: 3 of 1,612,412 alleles (0.00019%); highest among the groups gnomAD compares: South Asian, 0.0022%; no homozygotes.

Submissions (2):

Myriad Genetics, Inc.
Classification: Benign for Neurofibromatosis, type 1. Last evaluated: 2026-09-23. Review status: criteria provided, single submitter. Criteria: Myriad Autosomal Dominant, Autosomal Recessive and X-Linked Classification Criteria (2023). Collection method: clinical testing. Allele origin: unknown.
Comment: This variant is considered benign. This variant is a silent/synonymous amino acid change and it is not expected to impact splicing.

Labcorp Genetics (formerly Invitae), Labcorp
Classification: Likely benign for Neurofibromatosis, type 1. Last evaluated: 2019-12-22. Review status: criteria provided, single submitter. Criteria: Invitae Variant Classification Sherloc (09022015). Collection method: clinical testing. Allele origin: germline.